The following is an entry in ClinVar:

ClinVar aggregate classification (germline): Uncertain significance. Review status: criteria provided, multiple submitters, no conflicts (2 of 4 stars). 2 submissions from 2 submitters: Uncertain significance (2). Last evaluated 2024-11-18.

Conditions:
Inborn genetic diseases. Identifiers: MedGen C0950123, MeSH D030342.
Autism, susceptibility to, X-linked 2 (AUTSX2). Also called: Autism susceptibility, X-linked 2. Identifiers: MedGen C1845539, MONDO:0010341, OMIM 300495.

gnomAD v4.1: 1 of 1,211,678 alleles (0.000083%); highest among the groups gnomAD compares: Non-Finnish European, 0.00011%; no homozygotes.

Submissions (2):

Servicio de Genética Del Instituto Nacional de Salud Del Niño, Ministerio de Salud
Classification: Uncertain significance for Autism, susceptibility to, X-linked 2. Last evaluated: 2024-11-18. Review status: criteria provided, single submitter. Criteria: ACMG Guidelines, 2015. Collection method: clinical testing. Allele origin: germline. Inheritance: X-linked inheritance.
Comment: The variant NM_181332.3:c.847G>T leads to a substitution of alanine with serine at position 283 in the protein. Alanine is a non-polar amino acid, whereas serine contains a hydroxyl group, which may introduce a polarity change that could affect the protein's function or stability. Based on PM2 (absence in the general population or databases) and PP3 (in silico predictions suggesting a possible impact on the protein), this variant is classified as uncertain significance

Ambry Genetics
Classification: Uncertain significance for Inborn genetic diseases. Last evaluated: 2023-07-19. Review status: criteria provided, single submitter. Criteria: Ambry Variant Classification Scheme 2023. Collection method: clinical testing. Allele origin: germline.

NM_181332.3(NLGN4X):c.847G>T (p.Ala283Ser)

Gene: NLGN4X (neuroligin 4 X-linked; minus strand). Cytogenetic location: Xp22.32.
Variant type: single nucleotide variant.
Coding change: c.847G>T on transcript NM_181332.3 (MANE Select); coding-DNA position 847, G replaced by T.
Protein change: p.Ala283Ser; replaces alanine 283 with serine.
Molecular consequence: missense variant.
Genome position (GRCh38, 1-based): chrX:5,903,831, C>A on the plus strand (G>T on the coding strand, the complement: NLGN4X is on the minus strand). VCF-style: chrX-5903831-C-A. GRCh37 (hg19) VCF-style: chrX-5821872-C-A.
Other names: c.847G>T, p.Ala283Ser (NM_001282145.2, NM_001282146.2, NM_020742.4); short protein forms A283S.
Identifiers: ClinVar variation 2613092 (VCV002613092.4), dbSNP rs766959779, ClinGen allele CA412011712.